The following is an entry in ClinVar:

NM_001289104.2(PRKCSH):c.1141C>T (p.Arg381Cys)

Gene: PRKCSH (PRKCSH beta subunit of glucosidase II; plus strand). Cytogenetic location: 19p13.2.
Variant type: single nucleotide variant.
Coding change: c.1141C>T on transcript NM_001289104.2 (MANE Select); coding-DNA position 1141, C replaced by T.
Protein change: p.Arg381Cys; replaces arginine 381 with cysteine.
Molecular consequence: missense variant.
Genome position (GRCh38, 1-based): chr19:11,448,236, C>T. VCF-style: chr19-11448236-C-T. GRCh37 (hg19) VCF-style: chr19-11559051-C-T.
Other names: c.1111C>T, p.Arg371Cys (NM_001001329.3, NM_001289102.2, NM_001379609.1); c.1141C>T, p.Arg381Cys (NM_001289103.2); c.1120C>T, p.Arg374Cys (NM_001379608.1, NM_002743.3); short protein forms R371C, R374C, R381C.
Identifiers: ClinVar variation 3382977 (VCV003382977.4).

ClinVar aggregate classification (germline): Uncertain significance. Review status: criteria provided, multiple submitters, no conflicts (2 of 4 stars). 3 submissions from 3 submitters: Uncertain significance (3). Last evaluated 2025-04-21.

Conditions:
Inborn genetic diseases. Identifiers: MedGen C0950123, MeSH D030342.
Polycystic liver disease 1 (PCLD1). Also called: Polycystic liver disease 1 with or without kidney cysts. Identifiers: Orphanet 2924, MedGen C0887850, MONDO:0008265, OMIM 174050.

gnomAD v4.1: 4 of 1,562,026 alleles (0.00026%); highest among the groups gnomAD compares: Non-Finnish European, 0.00035%; no homozygotes.

Submissions (3):

Ambry Genetics
Classification: Uncertain significance for Inborn genetic diseases. Last evaluated: 2025-04-21. Review status: criteria provided, single submitter. Criteria: Ambry Variant Classification Scheme 2023. Collection method: clinical testing. Allele origin: germline.

Fulgent Genetics
Classification: Uncertain significance for Polycystic liver disease 1. Last evaluated: 2024-05-08. Review status: criteria provided, single submitter. Criteria: ACMG Guidelines, 2015. Collection method: clinical testing. Allele origin: germline.

Juno Genomics, Hangzhou Juno Genomics, Inc
Classification: Uncertain significance for Polycystic liver disease 1. Review status: criteria provided, single submitter. Criteria: ACMG Guidelines, 2015. Collection method: clinical testing. Allele origin: germline. Affected: yes.
Comment: Absent from controls (or at extremely low frequency if recessive) in Genome Aggregation Database, Exome Sequencing Project, 1000 Genomes Project, or Exome Aggregation Consortium.